The following is an entry in ClinVar:

ClinVar aggregate classification (germline): Conflicting classifications of pathogenicity. Review status: criteria provided, conflicting classifications (1 of 4 stars). 2 submissions from 2 submitters: Uncertain significance (1); Likely benign (1). Last evaluated 2024-05-11.

Conditions:
Primary ciliary dyskinesia. Also called: Ciliary dyskinesia. Identifiers: Orphanet 244, MedGen C0008780, MONDO:0016575, HP:0012265.

Allele frequency attached by ClinVar (database versions not stated): ExAC 0.00001; gnomAD 0.00001; gnomAD exomes 0.00001.
gnomAD v4.1: 19 of 1,613,562 alleles (0.0012%); highest among the groups gnomAD compares: South Asian, 0.019%; no homozygotes.

Submissions (2):

Ambry Genetics
Classification: Uncertain significance for Primary ciliary dyskinesia. Last evaluated: 2024-05-11. Review status: criteria provided, single submitter. Criteria: Ambry Variant Classification Scheme 2023. Collection method: clinical testing. Allele origin: germline.
Comment: The p.D2652N variant (also known as c.7954G>A), located in coding exon 49 of the DNAH11 gene, results from a G to A substitution at nucleotide position 7954. The aspartic acid at codon 2652 is replaced by asparagine, an amino acid with highly similar properties. This amino acid position is conserved. In addition, this alteration is predicted to be tolerated by in silico analysis. Based on the available evidence, the clinical significance of this variant remains unclear.

Labcorp Genetics (formerly Invitae), Labcorp
Classification: Likely benign for Primary ciliary dyskinesia. Last evaluated: 2024-01-17. Review status: criteria provided, single submitter. Criteria: Invitae Variant Classification Sherloc (09022015). Collection method: clinical testing. Allele origin: germline.

NM_001277115.2(DNAH11):c.7954G>A (p.Asp2652Asn)

Gene: DNAH11 (dynein axonemal heavy chain 11; plus strand). Cytogenetic location: 7p15.3.
Variant type: single nucleotide variant.
Coding change: c.7954G>A on transcript NM_001277115.2 (MANE Select); coding-DNA position 7954, G replaced by A.
Protein change: p.Asp2652Asn; replaces aspartic acid 2652 with asparagine.
Molecular consequence: missense variant.
Genome position (GRCh38, 1-based): chr7:21,741,966, G>A. VCF-style: chr7-21741966-G-A. GRCh37 (hg19) VCF-style: chr7-21781584-G-A.
Other names: c.7954G>A (NM_001277115.1); c.7975G>A, p.Asp2659Asn (NM_003777.3); short protein forms D2652N, D2659N.
Identifiers: ClinVar variation 2853935 (VCV002853935.4), dbSNP rs749250864, ClinGen allele CA4181431.